The following is an entry in ClinVar:

NM_152564.5(VPS13B):c.7199T>C (p.Leu2400Pro)

Gene: VPS13B (vacuolar protein sorting 13 homolog B; plus strand). Cytogenetic location: 8q22.2.
Variant type: single nucleotide variant.
Coding change: c.7199T>C on transcript NM_152564.5 (MANE Select); coding-DNA position 7199, T replaced by C.
Protein change: p.Leu2400Pro; replaces leucine 2400 with proline.
Molecular consequence: missense variant.
Genome position (GRCh38, 1-based): chr8:99,766,922, T>C. VCF-style: chr8-99766922-T-C. GRCh37 (hg19) VCF-style: chr8-100779150-T-C.
Other names: c.7274T>C, p.Leu2425Pro (NM_017890.5); short protein forms L2425P, L2400P.
Identifiers: ClinVar variation 835260 (VCV000835260.8), dbSNP rs1289418559, ClinGen allele CA371874471.

ClinVar aggregate classification (germline): Uncertain significance. Review status: criteria provided, single submitter (1 of 4 stars). 2 submissions from 2 submitters: Uncertain significance (1). 1 of the submissions does not count toward it. Last evaluated 2022-08-23.

Conditions:
Cohen syndrome (COH1). Also called: Cutis verticis gyrata, retinitis pigmentosa, and sensorineural deafness; PEPPER SYNDROME. Identifiers: Orphanet 193, MedGen C0265223, MONDO:0008999, OMIM 216550.

Allele frequency attached by ClinVar (database versions not stated): gnomAD 0.00001.
gnomAD v4.1: 1 of 1,613,912 alleles (0.000062%); highest among the groups gnomAD compares: East Asian, 0.0022%; no homozygotes.

Submissions (2):

Labcorp Genetics (formerly Invitae), Labcorp
Classification: Uncertain significance for Cohen syndrome. Last evaluated: 2022-08-23. Review status: criteria provided, single submitter. Criteria: Invitae Variant Classification Sherloc (09022015). Collection method: clinical testing. Allele origin: germline.
Comment: This sequence change replaces leucine, which is neutral and non-polar, with proline, which is neutral and non-polar, at codon 2425 of the VPS13B protein (p.Leu2425Pro). This variant is present in population databases (no rsID available, gnomAD 0.06%). This variant has not been reported in the literature in individuals affected with VPS13B-related conditions. ClinVar contains an entry for this variant (Variation ID: 835260). Algorithms developed to predict the effect of missense changes on protein structure and function are either unavailable or do not agree on the potential impact of this missense change (SIFT: "Not Available"; PolyPhen-2: "Possibly Damaging"; Align-GVGD: "Not Available"). In summary, the available evidence is currently insufficient to determine the role of this variant in disease. Therefore, it has been classified as a Variant of Uncertain Significance.

Natera, Inc.
Classification: Uncertain significance for Cohen syndrome. Last evaluated: 2020-09-16. Review status: no assertion criteria provided. Collection method: clinical testing. Allele origin: germline. Not counted in ClinVar's aggregate classification.